The following is an entry in ClinVar:

ClinVar aggregate classification (germline): Uncertain significance (1 of 4 stars; one submission).

Allele frequency attached by ClinVar (database versions not stated): TOPMed 0.00002 and 0.00001.

Submission:

GeneDx
Classification: Uncertain significance. Last evaluated: 2015-06-25. Review status: criteria provided, single submitter. Criteria: GeneDx Variant Classification (06012015). Collection method: clinical testing. Allele origin: germline. Affected: yes.
Comment: The E57D variant in the A2ML1 gene has not been published as a pathogenic variant, nor has it been reported as a benign polymorphism to our knowledge. The E57D variant was not observed in approximately 6000 individuals of European and African American ancestry in the NHLBI Exome Sequencing Project, indicating it is not a common benign variant in these populations. The E57D variant is a conservative amino acid substitution, which is not likely to impact secondary protein structure as these residues share similar properties. This substitution occurs at a position that is not conserved. In silico analysis is inconsistent in its predictions as to whether or not the variant is damaging to the protein structure/function. We interpret E57D as a variant of unknown significance

NM_144670.6(A2ML1):c.171G>T (p.Glu57Asp)

Genes: A2ML1 (alpha-2-macroglobulin like 1; plus strand), A2ML1-AS1 (A2ML1 antisense RNA 1; minus strand). Cytogenetic location: 12p13.31.
Variant type: single nucleotide variant.
Coding change: c.171G>T on transcript NM_144670.6 (MANE Select); coding-DNA position 171, G replaced by T.
Protein change: p.Glu57Asp; replaces glutamic acid 57 with aspartic acid.
Molecular consequence: missense variant.
Genome position (GRCh38, 1-based): chr12:8,823,290, G>T. VCF-style: chr12-8823290-G-T. GRCh37 (hg19) VCF-style: chr12-8975886-G-T.
Other names: short protein forms E57D.
Identifiers: ClinVar variation 372642 (VCV000372642.1), dbSNP rs939451589, ClinGen allele CA16042817.